The following is an entry in ClinVar:

NM_017617.5(NOTCH1):c.2012_2013dup (p.Gly672fs)

Gene: NOTCH1 (notch receptor 1; minus strand). Cytogenetic location: 9q34.3.
Variant type: Microsatellite.
Coding change: c.2012_2013dup on transcript NM_017617.5 (MANE Select); coding-DNA positions 2012 to 2013, 2 bases duplicated (CA; older notation c.2012_2013dupCA).
Protein change: p.Gly672fs; shifts the reading frame from glycine 672.
Molecular consequence: frameshift variant.
Genome position (GRCh38, 1-based): chr9:136,515,291-136,515,292, TG duplicated on the plus strand (CA on the coding strand, the reverse complement: NOTCH1 is on the minus strand); duplicating any 2 consecutive bases within chr9:136,515,291-136,515,295 gives the same sequence; the c. name uses the placement nearest the transcript's 3' end. VCF-style (leftmost placement, unchanged base first): chr9-136515290-C-CTG. GRCh37 (hg19) VCF-style: chr9-139409742-C-CTG.
Other names: short protein forms G672fs.
Identifiers: ClinVar variation 1784431 (VCV001784431.2), dbSNP rs2540455872, ClinGen allele CA2580615406.

ClinVar aggregate classification (germline): Pathogenic (1 of 4 stars; one submission).

Conditions:
Familial thoracic aortic aneurysm and aortic dissection (TAAD). Also called: Thoracic aortic aneurysms and dissections. Identifiers: Orphanet 91387, MedGen C4707243, MONDO:0019625.

Submission:

Ambry Genetics
Classification: Pathogenic for Familial thoracic aortic aneurysm and aortic dissection. Last evaluated: 2022-02-24. Review status: criteria provided, single submitter. Criteria: Ambry Variant Classification Scheme 2023. Collection method: clinical testing. Allele origin: germline.
Comment: The c.2012_2013dupCA pathogenic mutation, located in coding exon 12 of the NOTCH1 gene, results from a duplication of CA at nucleotide position 2012, causing a translational frameshift with a predicted alternate stop codon (p.G672Qfs*101). This variant is considered to be rare based on population cohorts in the Genome Aggregation Database (gnomAD). This alteration is expected to result in loss of function by premature protein truncation or nonsense-mediated mRNA decay. As such, this alteration is interpreted as a disease-causing mutation.